The following is an entry in ClinVar:

NM_015627.3(LDLRAP1):c.232-11_232-10delinsGAC

Gene: LDLRAP1 (low density lipoprotein receptor adaptor protein 1; plus strand). Cytogenetic location: 1p36.11.
Variant type: Indel.
Coding change: c.232-11_232-10delinsGAC on transcript NM_015627.3 (MANE Select); 11 bases into the intron before coding-DNA position 232 through 10 bases into the intron before coding-DNA position 232, CT replaced by GAC.
Molecular consequence: intron variant.
Genome position (GRCh38, 1-based): chr1:25,554,849-25,554,850, CT replaced by GAC. VCF-style: chr1-25554849-CT-GAC. GRCh37 (hg19) VCF-style: chr1-25881340-CT-GAC.
Identifiers: ClinVar variation 4685888 (VCV004685888.1).

ClinVar aggregate classification (germline): Uncertain significance (1 of 4 stars; one submission).

Conditions:
Hypercholesterolemia, familial, 4 (FHCL4). Also called: HYPERCHOLESTEROLEMIA, AUTOSOMAL RECESSIVE, 1; HYPERCHOLESTEROLEMIA, AUTOSOMAL RECESSIVE, 2. Identifiers: Orphanet 391665, MedGen C1863512, MONDO:0011374, OMIM 603813.

Submission:

ARUP Laboratories, Molecular Genetics and Genomics, ARUP Laboratories
Classification: Uncertain significance for Hypercholesterolemia, familial, 4. Last evaluated: 2025-06-16. Review status: criteria provided, single submitter. Criteria: ARUP Molecular Germline Variant Investigation Process 2024. Collection method: clinical testing. Allele origin: germline.
Comment: The LDLRAP1 c.232-11_232-10delinsGAC variant, to our knowledge, is not reported in the medical literature or gene specific databases. This variant is also absent from the Genome Aggregation Database (v2.1.1), indicating it is not a common polymorphism. This is an intronic variant and computational analyses (Alamut Visual Plus v.1.12) predict that this variant may impact splicing by weakening the nearby canonical acceptor. Due to limited information, the clinical significance of this variant is uncertain at this time.